The following is an entry in ClinVar:

NC_000005.10:g.(?_112815485)_(112822001_?)del

Gene: APC (APC regulator of Wnt signaling pathway; plus strand). Cytogenetic location: 5q22.2.
Variant type: Deletion.
Identifiers: ClinVar variation 831835 (VCV000831835.1).

ClinVar aggregate classification (germline): Pathogenic (1 of 4 stars; one submission).

Conditions:
Familial adenomatous polyposis 1 (FAP1). Also called: POLYPOSIS, ADENOMATOUS INTESTINAL; FAMILIAL ADENOMATOUS POLYPOSIS 1, ATTENUATED. Identifiers: MedGen C2713442, MONDO:0021056, OMIM 175100. Disease mechanism: loss of function.

Submission:

Labcorp Genetics (formerly Invitae), Labcorp
Classification: Pathogenic for Familial adenomatous polyposis 1. Last evaluated: 2019-02-20. Review status: criteria provided, single submitter. Criteria: Invitae Variant Classification Sherloc (09022015). Collection method: clinical testing. Allele origin: germline.
Comment: This variant is an out-of-frame deletion of the genomic region encompassing exons 9-11 of the APC gene. This is expected to create a premature translational stop signal and result in an absent or disrupted protein product. A similar deletion of exons 9-11 has been observed in an individual affected with familial adenomatous polyposis (PMID: 23159591). A deletion of exons 9-11 is also known as a deletion of exons 8-10 in the literature. Loss-of-function variants in APC are known to be pathogenic (PMID: 17963004, 20685668). For these reasons, this variant has been classified as Pathogenic.

Literature cited by the submitters: PubMed 23159591.